The following is an entry in ClinVar:

NM_000059.4(BRCA2):c.1065dup (p.Ser356fs)

Gene: BRCA2 (BRCA2 DNA repair associated; plus strand). Cytogenetic location: 13q13.1.
Variant type: Duplication.
Coding change: c.1065dup on transcript NM_000059.4 (MANE Select); coding-DNA position 1065, one base duplicated (A; older notation c.1065dupA).
Protein change: p.Ser356fs; shifts the reading frame from serine 356.
Molecular consequence: frameshift variant.
Genome position (GRCh38, 1-based): chr13:32,332,543, A duplicated. VCF-style (leftmost placement, unchanged base first): chr13-32332542-T-TA. GRCh37 (hg19) VCF-style: chr13-32906679-T-TA.
Other names: c.1065dupA (NM_000059.3); c.1065dup, p.Ser356Ilefs (NM_001406719.1, NM_001406720.1, NM_001406721.1); short protein forms S356fs.
Identifiers: ClinVar variation 1781581 (VCV001781581.3), dbSNP rs2548519452, ClinGen allele CA891842144.

ClinVar aggregate classification (germline): Pathogenic. Review status: criteria provided, multiple submitters, no conflicts (2 of 4 stars). 2 submissions from 2 submitters: Pathogenic (2). Last evaluated 2023-02-08.

Conditions:
Breast-ovarian cancer, familial, susceptibility to, 2 (BROVCA2). Also called: BRCA2 Hereditary Breast and Ovarian Cancer. Identifiers: Orphanet 145, MedGen C2675520, MONDO:0012933, OMIM 612555. Disease mechanism: loss of function.
Hereditary cancer-predisposing syndrome. Also called: Tumor predisposition; Neoplastic Syndromes, Hereditary; Hereditary Cancer Syndrome; Hereditary neoplastic syndrome. Identifiers: Orphanet 140162, MedGen C0027672, MeSH D009386, MONDO:0015356.

Submissions (2):

Myriad Genetics, Inc.
Classification: Pathogenic for Breast-ovarian cancer, familial, susceptibility to, 2. Last evaluated: 2023-02-08. Review status: criteria provided, single submitter. Criteria: Myriad Autosomal Dominant, Autosomal Recessive and X-Linked Classification Criteria (2023). Collection method: clinical testing. Allele origin: unknown.
Comment: This variant is considered pathogenic. This variant creates a frameshift predicted to result in premature protein truncation.

Ambry Genetics
Classification: Pathogenic for Hereditary cancer-predisposing syndrome. Last evaluated: 2022-08-24. Review status: criteria provided, single submitter. Criteria: Ambry Variant Classification Scheme 2023. Collection method: clinical testing. Allele origin: germline.
Comment: The c.1065dupA pathogenic mutation, located in coding exon 9 of the BRCA2 gene, results from a duplication of A at nucleotide position 1065, causing a translational frameshift with a predicted alternate stop codon (p.S356Ifs*2). This alteration is expected to result in loss of function by premature protein truncation or nonsense-mediated mRNA decay. As such, this alteration is interpreted as a disease-causing mutation.